The following is an entry in ClinVar:

NM_000138.5(FBN1):c.1761T>G (p.Cys587Trp)

Gene: FBN1 (fibrillin 1; minus strand). Cytogenetic location: 15q21.1.
Variant type: single nucleotide variant.
Coding change: c.1761T>G on transcript NM_000138.5 (MANE Select); coding-DNA position 1761, T replaced by G.
Protein change: p.Cys587Trp; replaces cysteine 587 with tryptophan.
Molecular consequence: missense variant.
Genome position (GRCh38, 1-based): chr15:48,508,658, A>C on the plus strand (T>G on the coding strand, the complement: FBN1 is on the minus strand). VCF-style: chr15-48508658-A-C. GRCh37 (hg19) VCF-style: chr15-48800855-A-C.
Other names: c.1761T>G, p.Cys587Trp (NM_001406716.1); short protein forms C587W.
Identifiers: ClinVar variation 2034108 (VCV002034108.4), dbSNP rs1060504143, ClinGen allele CA392340465.
Genomic context (GRCh38, chr15:48,508,658, plus strand): 5'-ATCTGATGCCAGCTGGAATCCAGGTTTGCAAATACATTTAAAACTGCCATCTTCATTGAT[A>C]CACATTCCATTAAGGCACATGTTCCTTATGCTGCATTCATCCATATCTGAAAATACAAAA-3'
Protein context (NP_000129.3, residues 577-597): SIRNMCLNGM[Cys587Trp]INEDGSFKCI

ClinVar aggregate classification (germline): Pathogenic (1 of 4 stars; one submission).

Conditions:
Familial thoracic aortic aneurysm and aortic dissection (TAAD). Also called: Thoracic aortic aneurysms and dissections. Identifiers: Orphanet 91387, MedGen C4707243, MONDO:0019625.
Marfan syndrome (MFS). Also called: MARFAN SYNDROME, TYPE I; Marfan syndrome type 1; Marfan's syndrome; Marfan syndrome, classic; FBN1-Related Marfan Syndrome. Identifiers: Orphanet 284963, Orphanet 558, MedGen C0024796, MONDO:0007947, OMIM 154700.

Submission:

Labcorp Genetics (formerly Invitae), Labcorp
Classification: Pathogenic for Marfan syndrome; Familial thoracic aortic aneurysm and aortic dissection. Last evaluated: 2025-09-14. Review status: criteria provided, single submitter. Criteria: Invitae Variant Classification Sherloc (09022015). Collection method: clinical testing. Allele origin: germline.
Comment: This sequence change replaces cysteine, which is neutral and slightly polar, with tryptophan, which is neutral and slightly polar, at codon 587 of the FBN1 protein (p.Cys587Trp). This variant is not present in population databases (gnomAD no frequency). This variant has not been reported in the literature in individuals affected with FBN1-related conditions. ClinVar contains an entry for this variant (Variation ID: 2034108). Invitae Evidence Modeling of protein sequence and biophysical properties (such as structural, functional, and spatial information, amino acid conservation, physicochemical variation, residue mobility, and thermodynamic stability) indicates that this missense variant is expected to disrupt FBN1 protein function with a positive predictive value of 95%. This variant affects a cysteine residue in the EGF-like, TGFBP or hybrid motif domains of FBN1. Cysteine residues are believed to be involved in intramolecular disulfide bridges and have been shown to be important for FBN1 protein structure (PMID: 16905551, 19349279). In addition, missense substitutions affecting cysteine residues within these domains are significantly overrepresented among patients with Marfan syndrome (PMID: 16571647, 17701892). This variant disrupts the p.Cys587 amino acid residue in FBN1. Other variant(s) that disrupt this residue have been observed in individuals with FBN1-related conditions (PMID: 2219643, 9254848, 25101912), which suggests that this may be a clinically significant amino acid residue. For these reasons, this variant has been classified as Pathogenic.

Literature cited by the submitters: PubMed 16905551; PubMed 19349279; PubMed 16571647; PubMed 17701892; PubMed 2219643; PubMed 9254848; PubMed 25101912.